The following is an entry in ClinVar:

ClinVar aggregate classification (germline): Uncertain significance (1 of 4 stars; one submission).

Submission:

Labcorp Genetics (formerly Invitae), Labcorp
Classification: Uncertain significance. Last evaluated: 2022-01-27. Review status: criteria provided, single submitter. Criteria: Invitae Variant Classification Sherloc (09022015). Collection method: clinical testing. Allele origin: germline.
Comment: In summary, the available evidence is currently insufficient to determine the role of this variant in disease. Therefore, it has been classified as a Variant of Uncertain Significance. Algorithms developed to predict the effect of missense changes on protein structure and function are either unavailable or do not agree on the potential impact of this missense change (SIFT: "Not Available"; PolyPhen-2: "Possibly Damaging"; Align-GVGD: "Not Available"). This variant has not been reported in the literature in individuals affected with UNC80-related conditions. This variant is not present in population databases (gnomAD no frequency). This sequence change replaces serine, which is neutral and polar, with tyrosine, which is neutral and polar, at codon 2407 of the UNC80 protein (p.Ser2407Tyr).

NM_001371986.1(UNC80):c.7418C>A (p.Ser2473Tyr)

Gene: UNC80 (unc-80 subunit of NALCN channel complex; plus strand). Cytogenetic location: 2q34.
Variant type: single nucleotide variant.
Coding change: c.7418C>A on transcript NM_001371986.1 (MANE Select); coding-DNA position 7418, C replaced by A.
Protein change: p.Ser2473Tyr; replaces serine 2473 with tyrosine.
Molecular consequence: missense variant.
Genome position (GRCh38, 1-based): chr2:209,954,231, C>A. VCF-style: chr2-209954231-C-A. GRCh37 (hg19) VCF-style: chr2-210818955-C-A.
Other names: c.7220C>A, p.Ser2407Tyr (NM_032504.2); c.7205C>A, p.Ser2402Tyr (NM_182587.4); short protein forms S2473Y, S2402Y, S2407Y.
Identifiers: ClinVar variation 2090495 (VCV002090495.4), dbSNP rs2471194942, ClinGen allele CA350775766.